The following is an entry in ClinVar:

ClinVar aggregate classification (germline): Likely benign. Review status: criteria provided, multiple submitters, no conflicts (2 of 4 stars). 2 submissions from 2 submitters: Likely benign (2). Last evaluated 2025-11-20.

Conditions:
PCDH15-related disorder. Also called: PCDH15-related disorders; PCDH15-related condition.

gnomAD v4.1: 77 of 1,613,822 alleles (0.0048%); highest among the groups gnomAD compares: Middle Eastern, 0.049%; no homozygotes.

Submissions (2):

PreventionGenetics, part of Exact Sciences
Classification: Likely benign for PCDH15-related condition. Last evaluated: 2025-11-20. Review status: criteria provided, single submitter. Criteria: ACMG Guidelines, 2015. Collection method: clinical testing. Allele origin: germline.
Comment: This variant is classified as likely benign based on ACMG/AMP sequence variant interpretation guidelines (Richards et al. 2015 PMID: 25741868, with internal and published modifications).

Blueprint Genetics
Classification: Likely benign. Last evaluated: 2024-05-08. Review status: criteria provided, single submitter. Criteria: ACMG Guidelines, 2015. Collection method: clinical testing. Allele origin: germline.

NM_001384140.1(PCDH15):c.5055G>A (p.Val1685=)

Gene: PCDH15 (protocadherin related 15; minus strand). Cytogenetic location: 10q21.1.
Variant type: single nucleotide variant.
Coding change: c.5055G>A on transcript NM_001384140.1 (MANE Select); coding-DNA position 5055, G replaced by A.
Protein change: p.Val1685=; no amino-acid change (valine 1685 retained).
Molecular consequence: synonymous variant.
Genome position (GRCh38, 1-based): chr10:53,806,747, C>T on the plus strand (G>A on the coding strand, the complement: PCDH15 is on the minus strand). VCF-style: chr10-53806747-C-T. GRCh37 (hg19) VCF-style: chr10-55566507-C-T.
Other names: c.4881G>A, p.Val1627= (NM_001142771.2); c.4866G>A, p.Val1622= (NM_001142772.2); c.4860G>A, p.Val1620= (NM_001354420.2); c.4989G>A, p.Val1663= (NM_001354429.2); c.4989G>A (NM_001354429.1).
Identifiers: ClinVar variation 4907324 (VCV004907324.2).